The following is an entry in ClinVar:

ClinVar aggregate classification (germline): Uncertain significance (1 of 4 stars; one submission).

Submission:

Labcorp Genetics (formerly Invitae), Labcorp
Classification: Uncertain significance. Last evaluated: 2022-11-14. Review status: criteria provided, single submitter. Criteria: Invitae Variant Classification Sherloc (09022015). Collection method: clinical testing. Allele origin: germline.
Comment: This sequence change replaces arginine, which is basic and polar, with lysine, which is basic and polar, at codon 752 of the CYFIP2 protein (p.Arg752Lys). This variant is not present in population databases (gnomAD no frequency). This variant has not been reported in the literature in individuals affected with CYFIP2-related conditions. Algorithms developed to predict the effect of missense changes on protein structure and function are either unavailable or do not agree on the potential impact of this missense change (SIFT: "Deleterious"; PolyPhen-2: "Not Available"; Align-GVGD: "Class C25"). In summary, the available evidence is currently insufficient to determine the role of this variant in disease. Therefore, it has been classified as a Variant of Uncertain Significance.

NM_001037333.3(CYFIP2):c.2255G>A (p.Arg752Lys)

Gene: CYFIP2 (cytoplasmic FMR1 interacting protein 2; plus strand). Cytogenetic location: 5q33.3.
Variant type: single nucleotide variant.
Coding change: c.2255G>A on transcript NM_001037333.3 (MANE Select); coding-DNA position 2255, G replaced by A.
Protein change: p.Arg752Lys; replaces arginine 752 with lysine.
Molecular consequence: missense variant.
Genome position (GRCh38, 1-based): chr5:157,330,840, G>A. VCF-style: chr5-157330840-G-A. GRCh37 (hg19) VCF-style: chr5-156757848-G-A.
Other names: c.2177G>A, p.Arg726Lys (NM_001291721.2); c.2330G>A, p.Arg777Lys (NM_001291722.2); c.2255G>A, p.Arg752Lys (NM_014376.4); short protein forms R777K, R726K, R752K.
Identifiers: ClinVar variation 2800519 (VCV002800519.3), dbSNP rs2532442845, ClinGen allele CA361971058.